The following is an entry in ClinVar:

NM_014679.5(CEP57):c.1128T>C (p.Phe376=)

Gene: CEP57 (centrosomal protein 57; plus strand). Cytogenetic location: 11q21.
Variant type: single nucleotide variant.
Coding change: c.1128T>C on transcript NM_014679.5 (MANE Select); coding-DNA position 1128, T replaced by C.
Protein change: p.Phe376=; no amino-acid change (phenylalanine 376 retained).
Molecular consequence: synonymous variant.
Genome position (GRCh38, 1-based): chr11:95,829,187, T>C. VCF-style: chr11-95829187-T-C. GRCh37 (hg19) VCF-style: chr11-95562351-T-C.
Other names: c.1047T>C, p.Phe349= (NM_001363604.2); c.1101T>C, p.Phe367= (NM_001243776.2); c.1050T>C, p.Phe350= (NM_001243777.2); c.1128T>C (NM_014679.4).
Identifiers: ClinVar variation 2139874 (VCV002139874.5), dbSNP rs2496336087, ClinGen allele CA476304059.

ClinVar aggregate classification (germline): Conflicting classifications of pathogenicity. Review status: criteria provided, conflicting classifications (1 of 4 stars). 2 submissions from 2 submitters: Uncertain significance (1); Likely benign (1). Last evaluated 2025-05-16.

Conditions:
Inborn genetic diseases. Identifiers: MedGen C0950123, MeSH D030342.
Mosaic variegated aneuploidy syndrome 2 (MVA2). Identifiers: Orphanet 1052, MedGen C3279843, MONDO:0013582, OMIM 614114.

Submissions (2):

Ambry Genetics
Classification: Likely benign for Inborn genetic diseases. Last evaluated: 2025-05-16. Review status: criteria provided, single submitter. Criteria: Ambry Variant Classification Scheme 2023. Collection method: clinical testing. Allele origin: germline.

Labcorp Genetics (formerly Invitae), Labcorp
Classification: Uncertain significance for Mosaic variegated aneuploidy syndrome 2. Last evaluated: 2022-06-22. Review status: criteria provided, single submitter. Criteria: Invitae Variant Classification Sherloc (09022015). Collection method: clinical testing. Allele origin: germline.
Comment: This sequence change affects codon 376 of the CEP57 mRNA. It is a 'silent' change, meaning that it does not change the encoded amino acid sequence of the CEP57 protein. It affects a nucleotide within the consensus splice site. This variant is not present in population databases (gnomAD no frequency). This variant has not been reported in the literature in individuals affected with CEP57-related conditions. Algorithms developed to predict the effect of sequence changes on RNA splicing suggest that this variant is not likely to affect RNA splicing. In summary, the available evidence is currently insufficient to determine the role of this variant in disease. Therefore, it has been classified as a Variant of Uncertain Significance.